The following is an entry in ClinVar:

ClinVar aggregate classification (germline): Pathogenic/Likely pathogenic. Review status: criteria provided, multiple submitters, no conflicts (2 of 4 stars). 3 submissions from 3 submitters: Pathogenic (2); Likely pathogenic (1). Last evaluated 2022-09-25.

Conditions:
Ataxia-telangiectasia syndrome (AT). Also called: Ataxia telangiectasia (A-T); LOUIS-BAR SYNDROME; Cerebello-oculocutaneous telangiectasia; Immunodeficiency with ataxia telangiectasia; Ataxia-telangiectasia, complementation group D; AT, COMPLEMENTATION GROUP C. Identifiers: Orphanet 100, MedGen C0004135, MONDO:0008840, OMIM 208900.
Familial cancer of breast. Also called: Hereditary breast cancer; hereditary breast carcinoma; BREAST CANCER, FAMILIAL. Identifiers: Orphanet 227535, MedGen C0346153, MONDO:0016419, OMIM 114480. Disease mechanism: loss of function.
Hereditary cancer-predisposing syndrome. Also called: Hereditary neoplastic syndrome; Neoplastic Syndromes, Hereditary; Tumor predisposition; Hereditary Cancer Syndrome. Identifiers: Orphanet 140162, MedGen C0027672, MeSH D009386, MONDO:0015356.

Submissions (3):

Labcorp Genetics (formerly Invitae), Labcorp
Classification: Pathogenic for Ataxia-telangiectasia syndrome. Last evaluated: 2022-09-25. Review status: criteria provided, single submitter. Criteria: Invitae Variant Classification Sherloc (09022015). Collection method: clinical testing. Allele origin: germline.
Comment: For these reasons, this variant has been classified as Pathogenic. This variant has not been reported in the literature in individuals affected with ATM-related conditions. This sequence change creates a premature translational stop signal (p.Leu2416Profs*12) in the ATM gene. It is expected to result in an absent or disrupted protein product. Loss-of-function variants in ATM are known to be pathogenic (PMID: 23807571, 25614872). This variant is not present in population databases (gnomAD no frequency).

Ambry Genetics
Classification: Pathogenic for Hereditary cancer-predisposing syndrome. Last evaluated: 2020-06-22. Review status: criteria provided, single submitter. Criteria: Ambry Variant Classification Scheme 2023. Collection method: clinical testing. Allele origin: germline.
Comment: The c.7247_7248delTC pathogenic mutation, located in coding exon 48 of the ATM gene, results from a deletion of two nucleotides at nucleotide positions 7247 to 7248, causing a translational frameshift with a predicted alternate stop codon (p.L2416Pfs*12). This alteration is expected to result in loss of function by premature protein truncation or nonsense-mediated mRNA decay. As such, this alteration is interpreted as a disease-causing mutation.

Juno Genomics, Hangzhou Juno Genomics, Inc
Classification: Likely pathogenic for Familial cancer of breast; Ataxia-telangiectasia syndrome. Review status: criteria provided, single submitter. Criteria: ACMG Guidelines, 2015. Collection method: clinical testing. Allele origin: germline.
Comment: Absent from controls (or at extremely low frequency if recessive) in Genome Aggregation Database.;Null variant in a gene where loss of function (LOF) is a known mechanism of disease.

Literature cited by the submitters: PubMed 23807571 (cited by Labcorp Genetics (formerly Invitae), Labcorp); PubMed 25614872 (cited by Labcorp Genetics (formerly Invitae), Labcorp).

NM_000051.4(ATM):c.7247_7248del (p.Leu2416fs)

Genes: ATM (ATM serine/threonine kinase; plus strand), C11orf65 (chromosome 11 open reading frame 65; minus strand). Cytogenetic location: 11q22.3.
Variant type: Microsatellite.
Coding change: c.7247_7248del on transcript NM_000051.4 (MANE Select); coding-DNA positions 7247 to 7248, 2 bases deleted (TC; older notation c.7247_7248delTC).
Protein change: p.Leu2416fs; shifts the reading frame from leucine 2416.
Molecular consequence: frameshift variant. On other transcripts: intron variant (2).
Genome position (GRCh38, 1-based): chr11:108,329,178-108,329,179, TC deleted; deleting any 2 consecutive bases within chr11:108,329,175-108,329,179 gives the same sequence; the c. name uses the placement nearest the transcript's 3' end. VCF-style (leftmost placement, unchanged base first): chr11-108329174-GCT-G. GRCh37 (hg19) VCF-style: chr11-108199901-GCT-G.
Other names: c.7247_7248delTC (NM_000051.3); c.*38+6044_*38+6045del (NM_001351110.2); c.7247_7248del, p.Leu2416fs (NM_001351834.2); c.641-20105_641-20104del (NM_001330368.2); short protein forms L2416fs.
Identifiers: ClinVar variation 1757890 (VCV001757890.9), dbSNP rs2547249899, ClinGen allele CA2580615021.